The following is an entry in ClinVar:

NM_005902.4(SMAD3):c.304G>A (p.Glu102Lys)

Gene: SMAD3 (SMAD family member 3; plus strand). Cytogenetic location: 15q22.33.
Variant type: single nucleotide variant.
Coding change: c.304G>A on transcript NM_005902.4 (MANE Select); coding-DNA position 304, G replaced by A.
Protein change: p.Glu102Lys; replaces glutamic acid 102 with lysine.
Molecular consequence: missense variant. On other transcripts: 5 prime UTR variant (1).
Genome position (GRCh38, 1-based): chr15:67,164,992, G>A. VCF-style: chr15-67164992-G-A. GRCh37 (hg19) VCF-style: chr15-67457330-G-A.
Other names: c.-12G>A (NM_001145102.2); c.172G>A, p.Glu58Lys (NM_001145103.2); short protein forms E102K, E58K.
Identifiers: ClinVar variation 982595 (VCV000982595.10), dbSNP rs1962537574, ClinGen allele CA392953977.

ClinVar aggregate classification (germline): Conflicting classifications of pathogenicity. Review status: criteria provided, conflicting classifications (1 of 4 stars). 6 submissions from 6 submitters: Likely pathogenic (1); Uncertain significance (3). 2 of the submissions do not count toward it. Last evaluated 2025-12-14.

Conditions:
Familial thoracic aortic aneurysm and aortic dissection (TAAD). Also called: Thoracic aortic aneurysms and dissections. Identifiers: Orphanet 91387, MedGen C4707243, MONDO:0019625.
Aneurysm-osteoarthritis syndrome. Also called: LOEYS-DIETZ SYNDROME WITH OSTEOARTHRITIS; Loeys-Dietz syndrome, type 1C; ANEURYSMS-OSTEOARTHRITIS SYNDROME; SMAD3-Related Loeys-Dietz Syndrome. Identifiers: Orphanet 284984, MedGen C3151087, MONDO:0013426, OMIM 613795.

Allele frequency attached by ClinVar (database versions not stated): gnomAD exomes below 0.00001.
gnomAD v4.1: 2 of 1,614,094 alleles (0.00012%); highest among the groups gnomAD compares: Non-Finnish European, 0.00017%; no homozygotes.

Submissions (6):

Labcorp Genetics (formerly Invitae), Labcorp
Classification: Likely pathogenic for Familial thoracic aortic aneurysm and aortic dissection. Last evaluated: 2025-12-14. Review status: criteria provided, single submitter. Criteria: Invitae Variant Classification Sherloc (09022015). Collection method: clinical testing. Allele origin: germline.
Comment: This sequence change replaces glutamic acid, which is acidic and polar, with lysine, which is basic and polar, at codon 102 of the SMAD3 protein (p.Glu102Lys). This variant is not present in population databases (gnomAD no frequency). This missense change has been observed in individual(s) with clinical features of SMAD3-related conditions (PMID: 30087447; internal data). It has also been observed to segregate with disease in related individuals. ClinVar contains an entry for this variant (Variation ID: 982595). Invitae Evidence Modeling of protein sequence and biophysical properties (such as structural, functional, and spatial information, amino acid conservation, physicochemical variation, residue mobility, and thermodynamic stability) indicates that this missense variant is expected to disrupt SMAD3 protein function with a positive predictive value of 80%. In summary, the currently available evidence indicates that the variant is pathogenic, but additional data are needed to prove that conclusively. Therefore, this variant has been classified as Likely Pathogenic.

Ambry Genetics
Classification: Uncertain significance for Familial thoracic aortic aneurysm and aortic dissection. Last evaluated: 2025-08-28. Review status: criteria provided, single submitter. Criteria: Ambry Variant Classification Scheme 2023. Collection method: clinical testing. Allele origin: germline.
Comment: The p.E102K variant (also known as c.304G>A), located in coding exon 2 of the SMAD3 gene, results from a G to A substitution at nucleotide position 304. The glutamic acid at codon 102 is replaced by lysine, an amino acid with similar properties. This variant was reported in a proband with features consistent with Marfan syndrome who also carried a de novo FBN1 variant; this variant was also seen in both healthy family members and family members with features of SMAD3-related disease (Aubart M et al. Eur J Hum Genet, 2018 Dec;26:1759-1772). This amino acid position is highly conserved in available vertebrate species. In addition, this alteration is predicted to be deleterious by in silico analysis. Based on the available evidence, the clinical significance of this variant remains unclear.

Institute of Human Genetics, University of Leipzig Medical Center
Classification: Uncertain significance for Aneurysm-osteoarthritis syndrome. Last evaluated: 2025-07-18. Review status: criteria provided, single submitter. Criteria: ACMG Guidelines, 2015. Collection method: clinical testing. Allele origin: unknown. Inheritance: Autosomal dominant inheritance. Affected: yes.
Comment: Criteria applied: PM2_SUP,PP2,PP3

Blueprint Genetics
Classification: Uncertain significance. Last evaluated: 2024-06-14. Review status: criteria provided, single submitter. Criteria: ACMG Guidelines, 2015. Collection method: clinical testing. Allele origin: germline.

Genome Diagnostics Laboratory, University Medical Center Utrecht
Classification: Uncertain significance. Review status: no assertion criteria provided. Collection method: clinical testing. Allele origin: germline. Affected: yes. Study: VKGL Data-share Consensus. Not counted in ClinVar's aggregate classification.

Joint Genome Diagnostic Labs from Nijmegen and Maastricht, Radboudumc and MUMC+
Classification: Uncertain significance. Review status: no assertion criteria provided. Collection method: clinical testing. Allele origin: germline. Affected: yes. Study: VKGL Data-share Consensus. Not counted in ClinVar's aggregate classification.

Literature cited by the submitters: PubMed 30087447 (cited by Labcorp Genetics (formerly Invitae), Labcorp and Ambry Genetics).